The following is an entry in ClinVar:

NM_015602.4(TOR1AIP1):c.148T>C (p.Ser50Pro)

Genes: TOR1AIP1 (torsin 1A interacting protein 1; plus strand), LOC112577517 (Sharpr-MPRA regulatory region 13766; plus strand). Cytogenetic location: 1q25.2.
Variant type: single nucleotide variant.
Coding change: c.148T>C on transcript NM_015602.4 (MANE Select); coding-DNA position 148, T replaced by C.
Protein change: p.Ser50Pro; replaces serine 50 with proline.
Molecular consequence: missense variant.
Genome position (GRCh38, 1-based): chr1:179,882,650, T>C. VCF-style: chr1-179882650-T-C. GRCh37 (hg19) VCF-style: chr1-179851785-T-C.
Other names: c.148T>C, p.Ser50Pro (NM_001267578.2); short protein forms S50P.
Identifiers: ClinVar variation 3375552 (VCV003375552.1).

ClinVar aggregate classification (germline): Uncertain significance (1 of 4 stars; one submission).

gnomAD v4.1: 4 of 1,575,986 alleles (0.00025%); highest among the groups gnomAD compares: South Asian, 0.0023%; no homozygotes.

Submission:

GeneDx
Classification: Uncertain significance. Last evaluated: 2024-05-09. Review status: criteria provided, single submitter. Criteria: GeneDx Variant Classification Process June 2021. Collection method: clinical testing. Allele origin: germline. Affected: yes.
Comment: Not observed at significant frequency in large population cohorts (gnomAD); In silico analysis indicates that this missense variant does not alter protein structure/function; Has not been previously published as pathogenic or benign to our knowledge